The following is an entry in ClinVar:

ClinVar aggregate classification (germline): Conflicting classifications of pathogenicity. Review status: criteria provided, conflicting classifications (1 of 4 stars). 9 submissions from 9 submitters: Pathogenic (3); Likely pathogenic (3); Uncertain significance (2). 1 of the submissions does not count toward it. Last evaluated 2026-09-04.

Conditions:
F12-related disorder. Also called: F12-related disorders; F12-related condition. Identifiers: MedGen CN239389.
Factor XII deficiency disease. Also called: Congenital factor XII deficiency; F12 DEFICIENCY; HAF DEFICIENCY; Reduced factor XII activity. Identifiers: Orphanet 330, MedGen C0015526, MONDO:0009315, OMIM 234000, HP:0004841.
Hereditary angioedema type 3 (HAE3). Also called: ANGIONEUROTIC EDEMA, HEREDITARY, WITH NORMAL C1 INHIBITOR CONCENTRATION AND FUNCTION; ESTROGEN-RELATED HAE; ESTROGEN-SENSITIVE HAE; HAE WITH NORMAL C1 INHIBITOR CONCENTRATION AND FUNCTION. Identifiers: Orphanet 100054, MedGen C1857728, MONDO:0012526, OMIM 610618.

Allele frequency attached by ClinVar (database versions not stated): TOPMed 0.00026; gnomAD 0.00033 and 0.00036; ESP Exome Variant Server 0.00038.
gnomAD v4.1: 546 of 1,604,662 alleles (0.034%); highest among the groups gnomAD compares: Non-Finnish European, 0.032%; no homozygotes.

Submissions (16):

PreventionGenetics, part of Exact Sciences
Classification: Likely pathogenic for F12-related condition. Last evaluated: 2026-09-04. Review status: criteria provided, single submitter. Criteria: ACMG Guidelines, 2015. Collection method: clinical testing. Allele origin: germline.
Comment: The F12 c.1681-1G>A variant is predicted to disrupt the AG splice acceptor site and interfere with normal splicing. This variant, also described as 11396G>A, has been reported in two families with Factor XII deficiency and segregates with disease (Schloesser et al. 1995. PubMed ID: 8528215; Xu-Cai et al. 2011. PubMed ID: 21920016). It has also been reported in an individual with atypical hemolytic uremic syndrome and in an individual with hereditary angioedema (Table S2, Bu et al. 2013. PubMed ID: 24029428; Gelincik et al. 2014. PubMed ID: 25524745). This variant is reported in 0.42% of alleles in individuals of Ashkenazi Jewish descent in gnomAD and has conflicting classifications listed in ClinVar ranging from uncertain to pathogenic (Variation ID: 1166). Variants that disrupt the consensus splice acceptor site in F12 are expected to be pathogenic. This variant is interpreted as likely pathogenic.

CeGaT Center for Human Genetics Tuebingen
Classification: Likely pathogenic. Last evaluated: 2025-10-01. Review status: criteria provided, single submitter. Criteria: CeGaT Center For Human Genetics Tuebingen Variant Classification Criteria Version 2. Collection method: clinical testing. Allele origin: germline. Affected: yes. Observed: 3 variant alleles.
Comment: F12: PVS1:Strong, PM2, PM3:Supporting

GeneDx
Classification: Pathogenic. Last evaluated: 2025-09-15. Review status: criteria provided, single submitter. Criteria: GeneDx Variant Classification Process June 2021. Collection method: clinical testing. Allele origin: germline. Affected: yes.
Comment: Canonical splice site variant predicted to result in an in-frame loss of the adjacent exon in a gene for which loss of function is a known mechanism of disease; Published functional studies demonstrate the variant causes removal of the last exon, resulting in a truncated transcript and unstable protein (PMID: 8528215); Observed in the heterozygous state in an individual with recurrent angioedema and in the compound heterozygous state in individuals with Factor XII deficiency (PMID: 25524745, 9354665); This variant is associated with the following publications: (PMID: 33727708, 21920016, 24029428, 9354665, 23348723, 34426522, 25524745, 31980526, 35866546, 36685169, 8528215, 37647632)

Labcorp Genetics (formerly Invitae), Labcorp
Classification: Uncertain significance. Last evaluated: 2025-07-21. Review status: criteria provided, single submitter. Criteria: Invitae Variant Classification Sherloc (09022015). Collection method: clinical testing. Allele origin: germline.
Comment: This sequence change affects an acceptor splice site in intron 13 of the F12 gene. While this variant is not anticipated to result in nonsense mediated decay, it likely alters RNA splicing and results in a disrupted protein product. This variant is present in population databases (rs199988476, gnomAD 0.5%). Disruption of this splice site has been observed in individual(s) with F12-related conditions (PMID: 8528215, 9354665, 25524745, 33727708). ClinVar contains an entry for this variant (Variation ID: 1166). Variants that disrupt the consensus splice site are a relatively common cause of aberrant splicing (PMID: 17576681, 9536098). Algorithms developed to predict the effect of sequence changes on RNA splicing suggest that this variant may disrupt the consensus splice site. In summary, the available evidence is currently insufficient to determine the role of this variant in disease. Therefore, it has been classified as a Variant of Uncertain Significance.

Department of Pathology and Laboratory Medicine, Sinai Health System
Classification: Uncertain significance for hereditary angioedema type 3. Last evaluated: 2022-04-05. Review status: criteria provided, single submitter. Criteria: ACMG Guidelines, 2015. Collection method: research. Allele origin: germline.

Baylor Genetics
Classification: Pathogenic for Factor XII deficiency disease. Last evaluated: 2022-03-18. Review status: criteria provided, single submitter. Criteria: ACMG Guidelines, 2015. Collection method: clinical testing. Allele origin: unknown.

Illumina Laboratory Services, Illumina
Classification: Likely pathogenic for F12-Related Disorders. Last evaluated: 2016-06-14. Review status: criteria provided, single submitter. Criteria: ICSL Variant Classification 20161018. Collection method: clinical testing. Allele origin: germline.
Comment: The c.1681-1G>A variant has been reported in at least three studies and is found in a total of one patient in a homozygous state, four patients in a compound heterozygous state and four patients in a heterozygous state (Schloesser et al. 1995; Schloesser et al. 1997; Xu-Cai et al. 2011). The c.1681-1G>A variant was also observed in a heterozygous state in four offspring of one of the compound heterozygote patients. These individuals also exhibited reduced factor XII activity and antigen levels. Gelincik et al. (2015) identified the c.1681-1G>A variant in a heterozygous state in one patient with HAE with normal C1-INH (type 3 HAE). Factor XII levels were within normal limits in this patient. The c.1681-1G>A variant was absent from 74 control individuals and is reported at a frequency of 0.00077 in the European (non-Finnish) population of the Exome Aggregation Consortium. Transcript analysis in two compound heterozygous patients and one homozygous patient with factor XII deficiency demonstrated aberrant splicing, suggesting that the c.1681-1G>A splice acceptor variant results in detectable transcript but unstable protein (Schloesser et al. 1995). Based on the collective evidence, the c.1681-1G>A variant is classified as likely pathogenic for F12-related disorders.

Imagene.me medical diagnostic laboratory, IMAGENE.ME SA
Classification: Pathogenic for Factor XII deficiency disease. Review status: criteria provided, single submitter. Criteria: IMAGENE.ME Variant Classification SOP 2022. Collection method: clinical testing. Allele origin: germline. Affected: yes.
Comment: Classified according to the IMAGENE.ME variant classification SOP based on the ACMG guidelines as Pathogenic (P): PVS1_Strong + PM3_Moderate + PM2_Supporting + PP4_Strong

OMIM
Classification: Pathogenic for FACTOR XII DEFICIENCY. Last evaluated: 1995-07-01. Review status: no assertion criteria provided. Collection method: literature only. Allele origin: germline. Not counted in ClinVar's aggregate classification.

Dr. Peter K. Rogan Lab, Western University
No classification provided (evidence only). Condition: Melanoma. Review status: no classification provided. Collection method: in vitro. Allele origin: not applicable. Functional consequence: retained intron. Not counted in ClinVar's aggregate classification.

Dr. Peter K. Rogan Lab, Western University
No classification provided (evidence only). Condition: Colon adenocarcinoma. Review status: no classification provided. Collection method: in vitro. Allele origin: not applicable. Functional consequence: retained intron. Not counted in ClinVar's aggregate classification.

Dr. Peter K. Rogan Lab, Western University
No classification provided (evidence only). Condition: Thyroid cancer, nonmedullary, 1. Review status: no classification provided. Collection method: in vitro. Allele origin: not applicable. Functional consequence: retained intron. Not counted in ClinVar's aggregate classification.

Dr. Peter K. Rogan Lab, Western University
No classification provided (evidence only). Condition: Cervical cancer. Review status: no classification provided. Collection method: in vitro. Allele origin: not applicable. Functional consequence: retained intron. Not counted in ClinVar's aggregate classification.

Dr. Peter K. Rogan Lab, Western University
No classification provided (evidence only). Condition: Ovarian serous cystadenocarcinoma. Review status: no classification provided. Collection method: in vitro. Allele origin: not applicable. Functional consequence: retained intron. Not counted in ClinVar's aggregate classification.

Dr. Peter K. Rogan Lab, Western University
No classification provided (evidence only). Condition: Gastric cancer. Review status: no classification provided. Collection method: in vitro. Allele origin: not applicable. Functional consequence: retained intron. Not counted in ClinVar's aggregate classification.

Dr. Peter K. Rogan Lab, Western University
No classification provided (evidence only). Condition: Malignant tumor of esophagus. Review status: no classification provided. Collection method: in vitro. Allele origin: not applicable. Functional consequence: retained intron. Not counted in ClinVar's aggregate classification.

Literature cited by the submitters: PubMed 8528215 (cited by 3 submitters); PubMed 9354665 (cited by Labcorp Genetics (formerly Invitae), Labcorp and Illumina Laboratory Services, Illumina); PubMed 25524745 (cited by Labcorp Genetics (formerly Invitae), Labcorp and Illumina Laboratory Services, Illumina); PubMed 33727708 (cited by Labcorp Genetics (formerly Invitae), Labcorp); PubMed 17576681 (cited by Labcorp Genetics (formerly Invitae), Labcorp); PubMed 9536098 (cited by Labcorp Genetics (formerly Invitae), Labcorp); PubMed 21920016 (cited by Illumina Laboratory Services, Illumina); PubMed 23348723 (cited by Illumina Laboratory Services, Illumina); PubMed 24029428 (cited by Illumina Laboratory Services, Illumina).

NM_000505.4(F12):c.1681-1G>A

Gene: F12 (coagulation factor XII; minus strand). Cytogenetic location: 5q35.3.
Variant type: single nucleotide variant.
Coding change: c.1681-1G>A on transcript NM_000505.4 (MANE Select); the canonical splice acceptor site of the intron before coding-DNA position 1681, G replaced by A.
Molecular consequence: splice acceptor variant.
Genome position (GRCh38, 1-based): chr5:177,402,460, C>T on the plus strand (G>A on the coding strand, the complement: F12 is on the minus strand). VCF-style: chr5-177402460-C-T. GRCh37 (hg19) VCF-style: chr5-176829461-C-T.
Other names: F12, IVS13AS, G-A, -1; IVS13AS, G-A, -1.
Identifiers: ClinVar variation 1166 (VCV000001166.44), dbSNP rs199988476, ClinGen allele CA114813.
Genomic context (GRCh38, chr5:177,402,460, plus strand): 5'-CAGGGTGAGCCGGCGCTCTGCAGCTTGGTCCTCACACACCAGCGGGCCTCCGGAATCACC[C>T]TGGGTCGGAAACACGCAGCTCAGCGCTGTGGACCTGAGATTTGTGCCTGACGGCCTCGGG-3'